The following is an entry in ClinVar:

ClinVar aggregate classification (germline): Uncertain significance. Review status: criteria provided, multiple submitters, no conflicts (2 of 4 stars). 2 submissions from 2 submitters: Uncertain significance (2). Last evaluated 2023-05-29.

Conditions:
RYR1-related disorder. Also called: RYR1-related disorders; RYR1-related condition. Identifiers: MedGen CN239331.

Submissions (2):

Revvity Omics, Revvity
Classification: Uncertain significance. Last evaluated: 2023-05-29. Review status: criteria provided, single submitter. Criteria: ACMG Guidelines, 2015. Collection method: clinical testing. Allele origin: germline.

Labcorp Genetics (formerly Invitae), Labcorp
Classification: Uncertain significance for RYR1-related disorder. Last evaluated: 2023-03-08. Review status: criteria provided, single submitter. Criteria: Invitae Variant Classification Sherloc (09022015). Collection method: clinical testing. Allele origin: germline.
Comment: In summary, the available evidence is currently insufficient to determine the role of this variant in disease. Therefore, it has been classified as a Variant of Uncertain Significance. Experimental studies and prediction algorithms are not available or were not evaluated, and the functional significance of this variant is currently unknown. ClinVar contains an entry for this variant (Variation ID: 846766). This variant has not been reported in the literature in individuals affected with RYR1-related conditions. This variant is present in population databases (no rsID available, gnomAD 0.002%). This variant, c.12797_12826dup, results in the insertion of 10 amino acid(s) of the RYR1 protein (p.Gly4266_Ala4275dup), but otherwise preserves the integrity of the reading frame.

NM_000540.3(RYR1):c.12797_12826dup (p.Gly4266_Ala4275dup)

Gene: RYR1 (ryanodine receptor 1; plus strand). Cytogenetic location: 19q13.2.
Variant type: Duplication.
Coding change: c.12797_12826dup on transcript NM_000540.3 (MANE Select); coding-DNA positions 12797 to 12826, 30 bases duplicated (GCGCGGCGGAGGCGGGCGCGGAAGGCGCGG).
Protein change: p.Gly4266_Ala4275dup.
Molecular consequence: inframe insertion.
Genome position (GRCh38, 1-based): chr19:38,565,131-38,565,160, GCGCGGCGGAGGCGGGCGCGGAAGGCGCGG duplicated; duplicating any 30 consecutive bases within chr19:38,565,124-38,565,160 gives the same sequence; the c. name uses the placement nearest the transcript's 3' end. VCF-style (leftmost placement, unchanged base first): chr19-38565123-G-GGGCGCGGGCGCGGCGGAGGCGGGCGCGGAA. GRCh37 (hg19) VCF-style: chr19-39055763-G-GGGCGCGGGCGCGGCGGAGGCGGGCGCGGAA.
Other names: c.12782_12811dup, p.Gly4261_Ala4270dup (NM_001042723.2).
Identifiers: ClinVar variation 846766 (VCV000846766.9), dbSNP rs1568582159, ClinGen allele CA633066814.